The following is an entry in ClinVar:

ClinVar aggregate classification (germline): Uncertain significance (1 of 4 stars; one submission).

Submission:

Labcorp Genetics (formerly Invitae), Labcorp
Classification: Uncertain significance. Last evaluated: 2024-10-07. Review status: criteria provided, single submitter. Criteria: Invitae Variant Classification Sherloc (09022015). Collection method: clinical testing. Allele origin: germline.
Comment: This sequence change replaces serine, which is neutral and polar, with asparagine, which is neutral and polar, at codon 391 of the CDK5RAP2 protein (p.Ser391Asn). This variant is not present in population databases (gnomAD no frequency). This variant has not been reported in the literature in individuals affected with CDK5RAP2-related conditions. An algorithm developed to predict the effect of missense changes on protein structure and function outputs the following: PolyPhen-2: "Benign". The asparagine amino acid residue is found in multiple mammalian species, which suggests that this missense change does not adversely affect protein function. In summary, the available evidence is currently insufficient to determine the role of this variant in disease. Therefore, it has been classified as a Variant of Uncertain Significance.

NM_018249.6(CDK5RAP2):c.1172G>A (p.Ser391Asn)

Gene: CDK5RAP2 (CDK5 regulatory subunit associated protein 2; minus strand). Cytogenetic location: 9q33.2.
Variant type: single nucleotide variant.
Coding change: c.1172G>A on transcript NM_018249.6 (MANE Select); coding-DNA position 1172, G replaced by A.
Protein change: p.Ser391Asn; replaces serine 391 with asparagine.
Molecular consequence: missense variant. On other transcripts: non-coding transcript variant (5).
Genome position (GRCh38, 1-based): chr9:120,518,566, C>T on the plus strand (G>A on the coding strand, the complement: CDK5RAP2 is on the minus strand). VCF-style: chr9-120518566-C-T. GRCh37 (hg19) VCF-style: chr9-123280844-C-T.
Other names: c.1172G>A, p.Ser391Asn (NM_001011649.3, NM_001272039.2, NM_001410992.1 and 2 more transcripts); short protein forms S391N.
Identifiers: ClinVar variation 3700073 (VCV003700073.2).